The following is an entry in ClinVar:

ClinVar aggregate classification (germline): Uncertain significance (1 of 4 stars; one submission).

Conditions:
Inborn genetic diseases. Identifiers: MedGen C0950123, MeSH D030342.

gnomAD v4.1: 3 of 1,609,526 alleles (0.00019%); highest among the groups gnomAD compares: South Asian, 0.0033%; no homozygotes.

Submission:

Ambry Genetics
Classification: Uncertain significance for Inborn genetic diseases. Last evaluated: 2026-07-01. Review status: criteria provided, single submitter. Criteria: Ambry Variant Classification Scheme 2023. Collection method: clinical testing. Allele origin: germline.
Comment: The p.S18F variant (also known as c.53C>T), located in coding exon 1 of the USB1 gene, results from a C to T substitution at nucleotide position 53. The serine at codon 18 is replaced by phenylalanine, an amino acid with highly dissimilar properties. This amino acid position is conserved. In addition, this alteration is predicted to be tolerated by in silico analysis. Based on the available evidence, the clinical significance of this variant remains unclear.

NM_024598.4(USB1):c.53C>T (p.Ser18Phe)

Gene: USB1 (U6 snRNA biogenesis phosphodiesterase 1; plus strand). Cytogenetic location: 16q21.
Variant type: single nucleotide variant.
Coding change: c.53C>T on transcript NM_024598.4 (MANE Select); coding-DNA position 53, C replaced by T.
Protein change: p.Ser18Phe; replaces serine 18 with phenylalanine.
Molecular consequence: missense variant. On other transcripts: intron variant (1).
Genome position (GRCh38, 1-based): chr16:58,001,536, C>T. VCF-style: chr16-58001536-C-T. GRCh37 (hg19) VCF-style: chr16-58035440-C-T.
Other names: c.53C>T, p.Ser18Phe (NM_001195302.2, NM_001204911.2, NM_001330569.2); c.-55-943C>T (NM_001330568.2); short protein forms S18F.
Identifiers: ClinVar variation 5031608 (VCV005031608.1).